The following is an entry in ClinVar:

ClinVar aggregate classification (germline): Uncertain significance. Review status: criteria provided, multiple submitters, no conflicts (2 of 4 stars). 2 submissions from 2 submitters: Uncertain significance (2). Last evaluated 2024-03-17.

Conditions:
Hereditary nonpolyposis colorectal neoplasms. Identifiers: MedGen C0009405, MeSH D003123.
Hereditary cancer-predisposing syndrome. Also called: Hereditary Cancer Syndrome; Hereditary neoplastic syndrome; Neoplastic Syndromes, Hereditary; Tumor predisposition. Identifiers: Orphanet 140162, MedGen C0027672, MeSH D009386, MONDO:0015356.

Allele frequency attached by ClinVar (database versions not stated): TOPMed below 0.00001.

Submissions (2):

Labcorp Genetics (formerly Invitae), Labcorp
Classification: Uncertain significance for Hereditary nonpolyposis colorectal neoplasms. Last evaluated: 2024-03-17. Review status: criteria provided, single submitter. Criteria: Invitae Variant Classification Sherloc (09022015). Collection method: clinical testing. Allele origin: germline.
Comment: This sequence change replaces arginine, which is basic and polar, with glycine, which is neutral and non-polar, at codon 1172 of the MSH6 protein (p.Arg1172Gly). This variant is not present in population databases (gnomAD no frequency). This variant has not been reported in the literature in individuals affected with MSH6-related conditions. ClinVar contains an entry for this variant (Variation ID: 1433514). Advanced modeling of protein sequence and biophysical properties (such as structural, functional, and spatial information, amino acid conservation, physicochemical variation, residue mobility, and thermodynamic stability) performed at Invitae indicates that this missense variant is expected to disrupt MSH6 protein function with a positive predictive value of 95%. In summary, the available evidence is currently insufficient to determine the role of this variant in disease. Therefore, it has been classified as a Variant of Uncertain Significance.

Ambry Genetics
Classification: Uncertain significance for Hereditary cancer-predisposing syndrome. Last evaluated: 2023-04-05. Review status: criteria provided, single submitter. Criteria: Ambry Variant Classification Scheme 2023. Collection method: clinical testing. Allele origin: germline.
Comment: The p.R1172G variant (also known as c.3514A>G), located in coding exon 6 of the MSH6 gene, results from an A to G substitution at nucleotide position 3514. The arginine at codon 1172 is replaced by glycine, an amino acid with dissimilar properties. This amino acid position is highly conserved in available vertebrate species. In addition, this alteration is predicted to be deleterious by in silico analysis. Since supporting evidence is limited at this time, the clinical significance of this alteration remains unclear.

NM_000179.3(MSH6):c.3514A>G (p.Arg1172Gly)

Gene: MSH6 (mutS homolog 6; plus strand). Cytogenetic location: 2p16.3.
Variant type: single nucleotide variant.
Coding change: c.3514A>G on transcript NM_000179.3 (MANE Select); coding-DNA position 3514, A replaced by G.
Protein change: p.Arg1172Gly; replaces arginine 1172 with glycine.
Molecular consequence: missense variant.
Genome position (GRCh38, 1-based): chr2:47,804,985, A>G. VCF-style: chr2-47804985-A-G. GRCh37 (hg19) VCF-style: chr2-48032124-A-G.
Other names: c.3124A>G, p.Arg1042Gly (NM_001281492.2); c.2608A>G, p.Arg870Gly (NM_001281493.2, NM_001281494.2); c.3514A>G (NM_000179.2); short protein forms R1042G, R870G, R1172G.
Identifiers: ClinVar variation 1433514 (VCV001433514.10), dbSNP rs1669875200, ClinGen allele CA346760198.
Genomic context (GRCh38, chr2:47,804,985, plus strand): 5'-GTAATGGCCCAGATGGGTTGTTACGTCCCTGCTGAAGTGTGCAGGCTCACACCAATTGAT[A>G]GAGTGTTTACTAGACTTGGTGCCTCAGACAGAATAATGTCAGGTGAGTTTTTTGTTTCCC-3'
Protein context (NP_000170.1, residues 1162-1182): AEVCRLTPID[Arg1172Gly]VFTRLGASDR